The following is an entry in ClinVar:

NM_000245.4(MET):c.959C>T (p.Ala320Val)

Gene: MET (MET proto-oncogene, receptor tyrosine kinase; plus strand). Cytogenetic location: 7q31.2.
Variant type: single nucleotide variant.
Coding change: c.959C>T on transcript NM_000245.4 (MANE Select); coding-DNA position 959, C replaced by T.
Protein change: p.Ala320Val; replaces alanine 320 with valine.
Molecular consequence: missense variant. On other transcripts: intron variant (1).
Genome position (GRCh38, 1-based): chr7:116,700,043, C>T. VCF-style: chr7-116700043-C-T. GRCh37 (hg19) VCF-style: chr7-116340097-C-T.
Other names: c.959C>T, p.Ala320Val (NM_001127500.3, NM_001324401.3); c.-91+27466C>T (NM_001324402.2); short protein forms A320V.
Identifiers: ClinVar variation 135978 (VCV000135978.31), dbSNP rs35776110, ClinGen allele CA332701.

ClinVar aggregate classification (germline): Conflicting classifications of pathogenicity. Review status: criteria provided, conflicting classifications (1 of 4 stars). 12 submissions from 12 submitters: Uncertain significance (1); Benign (2); Likely benign (7). 2 of the submissions do not count toward it. Last evaluated 2026-01-28.

Conditions:
MET-related disorder. Also called: MET-related condition.
Renal cell carcinoma. Identifiers: Orphanet 217071, MedGen C0007134, MeSH D002292, MONDO:0005086, HP:0005584.
Hereditary cancer-predisposing syndrome. Also called: Tumor predisposition; Hereditary neoplastic syndrome; Neoplastic Syndromes, Hereditary; Hereditary Cancer Syndrome. Identifiers: Orphanet 140162, MedGen C0027672, MeSH D009386, MONDO:0015356.
Papillary renal cell carcinoma type 1 (RCCP1). Also called: RENAL CELL CARCINOMA, PAPILLARY, 1, SOMATIC; Renal adenocarcinoma; Renal cell carcinoma 1; Renal cell carcinoma, somatic. Identifiers: Orphanet 47044, MedGen C1336839, OMIM 605074, HP:0011797.
Intellectual disability. Also called: intellectual disabilities; Intellectual developmental disorder; Intellectual functioning disability. Identifiers: MedGen C3714756, MeSH D008607, MONDO:0001071, HP:0001249.

Allele frequency attached by ClinVar (database versions not stated): 1000 Genomes Project 0.00020; gnomAD exomes 0.00020 and 0.00029; 1000 Genomes Project 30x 0.00031; ExAC 0.00037; gnomAD 0.00044 and 0.00045; TOPMed 0.00044; ESP Exome Variant Server 0.00075.
gnomAD v4.1: 357 of 1,613,886 alleles (0.022%); highest among the groups gnomAD compares: African/African-American, 0.089%; no homozygotes.

Submissions (12):

Labcorp Genetics (formerly Invitae), Labcorp
Classification: Likely benign for Renal cell carcinoma. Last evaluated: 2026-01-28. Review status: criteria provided, single submitter. Criteria: Invitae Variant Classification Sherloc (09022015). Collection method: clinical testing. Allele origin: germline.

Center for Genomic Medicine, Rigshospitalet, Copenhagen University Hospital
Classification: Uncertain significance. Last evaluated: 2025-12-29. Review status: criteria provided, single submitter. Criteria: ACMG Guidelines, 2015. Collection method: clinical testing. Allele origin: germline.

ARUP Laboratories, Molecular Genetics and Genomics, ARUP Laboratories
Classification: Likely benign. Last evaluated: 2025-04-24. Review status: criteria provided, single submitter. Criteria: ARUP Molecular Germline Variant Investigation Process 2024. Collection method: clinical testing. Allele origin: germline.

Myriad Genetics, Inc.
Classification: Likely benign for Papillary renal cell carcinoma type 1. Last evaluated: 2024-11-06. Review status: criteria provided, single submitter. Criteria: Myriad Autosomal Dominant, Autosomal Recessive and X-Linked Classification Criteria (2023). Collection method: clinical testing. Allele origin: unknown.
Comment: This variant is considered likely benign. This variant has been observed at a population frequency that is significantly greater than expected given the associated disease prevalence and penetrance.

Blueprint Genetics
Classification: Likely benign. Last evaluated: 2024-09-14. Review status: criteria provided, single submitter. Criteria: ACMG Guidelines, 2015. Collection method: clinical testing. Allele origin: germline.

Mendelics
Classification: Benign for Renal cell carcinoma. Last evaluated: 2023-08-22. Review status: criteria provided, single submitter. Criteria: Mendelics Assertion Criteria 2019. Collection method: clinical testing. Allele origin: germline.

Sema4
Classification: Likely benign for Hereditary cancer-predisposing syndrome. Last evaluated: 2020-12-06. Review status: criteria provided, single submitter. Criteria: Sema4 Curation Guidelines. Collection method: curation. Allele origin: germline.

Ambry Genetics
Classification: Likely benign for Hereditary cancer-predisposing syndrome. Last evaluated: 2018-10-31. Review status: criteria provided, single submitter. Criteria: Ambry Variant Classification Scheme 2023. Collection method: clinical testing. Allele origin: germline.

Illumina Laboratory Services, Illumina
Classification: Likely benign for Papillary renal cell carcinoma type 1. Last evaluated: 2017-04-27. Review status: criteria provided, single submitter. Criteria: ICSL Variant Classification Criteria 13 December 2019. Collection method: clinical testing. Allele origin: germline.
Comment: This variant was observed as part of a predisposition screen in an ostensibly healthy population. A literature search was performed for the gene, cDNA change, and amino acid change (where applicable). No publications were found based on this search. Allele frequency data from public databases allowed determination this variant is unlikely to cause disease. Therefore, this variant is classified as likely benign.

Vantari Genetics
Classification: Benign for Hereditary cancer-predisposing syndrome. Last evaluated: 2015-10-23. Review status: criteria provided, single submitter. Criteria: ACMG Guidelines, 2015. Collection method: clinical testing. Allele origin: germline.

PreventionGenetics, part of Exact Sciences
Classification: Likely benign for MET-related condition. Last evaluated: 2022-07-13. Review status: no assertion criteria provided. Collection method: clinical testing. Allele origin: germline. Not counted in ClinVar's aggregate classification.
Comment: This variant is classified as likely benign based on ACMG/AMP sequence variant interpretation guidelines (Richards et al. 2015 PMID: 25741868, with internal and published modifications).

Centre de Biologie Pathologie Génétique, Centre Hospitalier Universitaire de Lille
Classification: Likely benign for Intellectual disability. Last evaluated: 2019-01-01. Review status: no assertion criteria provided. Collection method: clinical testing. Allele origin: inherited. Affected: yes. Not counted in ClinVar's aggregate classification.

Literature cited by the submitters: PubMed 9140397 (cited by Ambry Genetics).